The following is an entry in ClinVar:

NM_020937.4(FANCM):c.1566G>T (p.Gln522His)

Gene: FANCM (FA complementation group M; plus strand). Cytogenetic location: 14q21.2.
Variant type: single nucleotide variant.
Coding change: c.1566G>T on transcript NM_020937.4 (MANE Select); coding-DNA position 1566, G replaced by T.
Protein change: p.Gln522His; replaces glutamine 522 with histidine.
Molecular consequence: missense variant.
Genome position (GRCh38, 1-based): chr14:45,159,265, G>T. VCF-style: chr14-45159265-G-T. GRCh37 (hg19) VCF-style: chr14-45628468-G-T.
Other names: c.1488G>T, p.Gln496His (NM_001308133.2); c.1566G>T, p.Gln522His (NM_001308134.2); c.1566G>T (NM_020937.3); short protein forms Q496H, Q522H.
Identifiers: ClinVar variation 848526 (VCV000848526.12), dbSNP rs763980494, ClinGen allele CA7169084.
Genomic context (GRCh38, chr14:45,159,265, plus strand): 5'-TATTAGAGTAATGACTTTTGTCGGCCATGCCTCAGGGAAAAGCACGAAGGGTTTTACCCA[G>T]AAGGAGCAACTGGAGGTAATTATTTTTGGAATTGATAAAAATAAAAATAAGATTGATTAG-3'
Protein context (NP_065988.1, residues 512-532): ASGKSTKGFT[Gln522His]KEQLEVVKQF

ClinVar aggregate classification (germline): Uncertain significance. Review status: criteria provided, multiple submitters, no conflicts (2 of 4 stars). 3 submissions from 3 submitters: Uncertain significance (3). Last evaluated 2025-11-19.

Conditions:
Fanconi anemia (FA). Also called: Fanconi's anemia. Identifiers: Orphanet 84, MedGen C0015625, MeSH D005199, MONDO:0019391.

Allele frequency attached by ClinVar (database versions not stated): gnomAD exomes below 0.00001; ExAC 0.00001; gnomAD 0.00001; TOPMed 0.00001.
gnomAD v4.1: 4 of 1,612,474 alleles (0.00025%); highest among the groups gnomAD compares: Non-Finnish European, 0.00034%; no homozygotes.

Submissions (3):

Labcorp Genetics (formerly Invitae), Labcorp
Classification: Uncertain significance for Fanconi anemia. Last evaluated: 2025-11-19. Review status: criteria provided, single submitter. Criteria: Invitae Variant Classification Sherloc (09022015). Collection method: clinical testing. Allele origin: germline.
Comment: This sequence change replaces glutamine, which is neutral and polar, with histidine, which is basic and polar, at codon 522 of the FANCM protein (p.Gln522His). This variant is present in population databases (rs763980494, gnomAD 0.0009%). This variant has not been reported in the literature in individuals affected with FANCM-related conditions. ClinVar contains an entry for this variant (Variation ID: 848526). An algorithm developed to predict the effect of missense changes on protein structure and function outputs the following: PolyPhen-2: "Possibly Damaging". The histidine amino acid residue is found in multiple mammalian species, which suggests that this missense change does not adversely affect protein function. In summary, the available evidence is currently insufficient to determine the role of this variant in disease. Therefore, it has been classified as a Variant of Uncertain Significance.

Quest Diagnostics Nichols Institute San Juan Capistrano
Classification: Uncertain significance. Last evaluated: 2024-06-13. Review status: criteria provided, single submitter. Criteria: Quest Diagnostics criteria. Collection method: clinical testing. Allele origin: unknown.
Comment: The FANCM c.1566G>T (p.Gln522His) variant has not been reported in individuals with FANCM-related conditions in the published literature. The frequency of this variant in the general population, 0.000004 (1/250838 chromosomes (Genome Aggregation Database)), is uninformative in the assessment of its pathogenicity. Analysis of this variant using bioinformatics tools for the prediction of the effect of amino acid changes on protein structure and function yielded conflicting predictions that this variant is deleterious or benign. Based on the available information, we are unable to determine the clinical significance of this variant.

GeneDx
Classification: Uncertain significance. Last evaluated: 2023-01-30. Review status: criteria provided, single submitter. Criteria: GeneDx Variant Classification Process June 2021. Collection method: clinical testing. Allele origin: germline. Affected: yes.
Comment: Not observed at significant frequency in large population cohorts (gnomAD); In silico analysis supports that this missense variant has a deleterious effect on protein structure/function; Has not been previously published as pathogenic or benign to our knowledge